The following is an entry in ClinVar:

ClinVar aggregate classification (germline): Uncertain significance (1 of 4 stars; one submission).

Submission:

Ambry Genetics
Classification: Uncertain significance. Last evaluated: 2025-01-22. Review status: criteria provided, single submitter. Criteria: Ambry Variant Classification Scheme 2023. Collection method: clinical testing. Allele origin: germline.
Comment: The p.G336E variant (also known as c.1007G>A), located in coding exon 3 of the WNK2 gene, results from a G to A substitution at nucleotide position 1007. The glycine at codon 336 is replaced by glutamic acid, an amino acid with similar properties. This amino acid position is conserved. In addition, the in silico prediction for this alteration is inconclusive. Based on the available evidence, the clinical significance of this variant remains unclear.

NM_006648.4(WNK2):c.1007G>A (p.Gly336Glu)

Gene: WNK2 (WNK lysine deficient protein kinase 2; plus strand). Cytogenetic location: 9q22.31.
Variant type: single nucleotide variant.
Coding change: c.1007G>A on transcript NM_006648.4 (MANE Select); coding-DNA position 1007, G replaced by A.
Protein change: p.Gly336Glu; replaces glycine 336 with glutamic acid.
Molecular consequence: missense variant.
Genome position (GRCh38, 1-based): chr9:93,231,040, G>A. VCF-style: chr9-93231040-G-A. GRCh37 (hg19) VCF-style: chr9-95993322-G-A.
Other names: c.1007G>A, p.Gly336Glu (NM_001282394.3); short protein forms G336E.
Identifiers: ClinVar variation 3816899 (VCV003816899.1).